The following is an entry in ClinVar:

ClinVar aggregate classification (germline): Likely pathogenic (1 of 4 stars; one submission).

Conditions:
Werner syndrome (WRN). Identifiers: Orphanet 902, MedGen C0043119, MONDO:0010196, OMIM 277700.

Submission:

Labcorp Genetics (formerly Invitae), Labcorp
Classification: Likely pathogenic for Werner syndrome. Last evaluated: 2020-08-27. Review status: criteria provided, single submitter. Criteria: Invitae Variant Classification Sherloc (09022015). Collection method: clinical testing. Allele origin: germline.
Comment: This variant is an in-frame deletion of the genomic region encompassing exon(s) 19-20 of the WRN gene. It preserves the integrity of the reading frame. In summary, the currently available evidence indicates that the variant is pathogenic, but additional data are needed to prove that conclusively. Therefore, this variant has been classified as Likely Pathogenic. This variant disrupts part of the helicase domain of the WRN protein, which is required for protein function (PMID: 23045531, 16673358). While functional studies have not been performed to directly test the effect of this variant on WRN protein function, this suggests that disruption of this region of the protein is causative of disease. This variant has not been reported in the literature in individuals with WRN-related conditions.

Literature cited by the submitters: PubMed 23045531; PubMed 16673358.

NC_000008.10:g.(?_30966107)_(30974054_?)del

Gene: WRN (WRN RecQ like helicase; plus strand). Cytogenetic location: 8p12.
Variant type: Deletion.
Identifiers: ClinVar variation 1067567 (VCV001067567.5).